The following is an entry in ClinVar:

ClinVar aggregate classification (germline): Uncertain significance (1 of 4 stars; one submission).

Submission:

GeneDx
Classification: Uncertain significance. Last evaluated: 2023-12-20. Review status: criteria provided, single submitter. Criteria: GeneDx Variant Classification Process June 2021. Collection method: clinical testing. Allele origin: germline. Affected: yes.
Comment: Not observed at significant frequency in large population cohorts (gnomAD); In silico analysis supports that this missense variant does not alter protein structure/function; Has not been previously published as pathogenic or benign to our knowledge

NM_001371928.1(AHDC1):c.1349A>G (p.Glu450Gly)

Gene: AHDC1 (AT-hook DNA binding motif containing 1; minus strand). Cytogenetic location: 1p36.11.
Variant type: single nucleotide variant.
Coding change: c.1349A>G on transcript NM_001371928.1 (MANE Select); coding-DNA position 1349, A replaced by G.
Protein change: p.Glu450Gly; replaces glutamic acid 450 with glycine.
Molecular consequence: missense variant.
Genome position (GRCh38, 1-based): chr1:27,550,767, T>C on the plus strand (A>G on the coding strand, the complement: AHDC1 is on the minus strand). VCF-style: chr1-27550767-T-C. GRCh37 (hg19) VCF-style: chr1-27877278-T-C.
Other names: c.1349A>G, p.Glu450Gly (NM_001029882.3); short protein forms E450G.
Identifiers: ClinVar variation 3369944 (VCV003369944.1).